The following is an entry in ClinVar:

ClinVar aggregate classification (germline): Pathogenic/Likely pathogenic. Review status: criteria provided, multiple submitters, no conflicts (2 of 4 stars). 5 submissions from 5 submitters: Pathogenic (1); Likely pathogenic (2). 2 of the submissions do not count toward it. Last evaluated 2024-01-24.

Conditions:
Neonatal pseudo-hydrocephalic progeroid syndrome. Also called: Wiedemann-Rautenstrauch syndrome. Identifiers: Orphanet 3455, MedGen C0406586, MONDO:0009910, OMIM 264090.
Leukodystrophy, hypomyelinating, 7, with or without oligodontia and/or hypogonadotropic hypogonadism (HLD7). Also called: LEUKOENCEPHALOPATHY, HYPOMYELINATING, WITH ATAXIA AND DELAYED DENTITION; ATAXIA, DELAYED DENTITION, AND HYPOMYELINATION; LEUKODYSTROPHY, HYPOMYELINATING, 7, WITH OLIGODONTIA; LEUKODYSTROPHY, HYPOMYELINATING, 7, WITH OLIGODONTIA AND HYPOGONADOTROPIC HYPOGONADISM; LEUKODYSTROPHY, HYPOMYELINATING, 7, WITHOUT OLIGODONTIA OR HYPOGONADOTROPIC HYPOGONADISM; Ataxia, Delayed Dentition and Hypomyelination (ADDH). Identifiers: Orphanet 137639, Orphanet 447893, Orphanet 447896, Orphanet 77295, Orphanet 88637, MedGen CN034185, MONDO:0011897, OMIM 607694.

Allele frequency attached by ClinVar (database versions not stated): gnomAD exomes below 0.00001.

Submissions (5):

Broad Center for Mendelian Genomics, Broad Institute of MIT and Harvard
Classification: Likely pathogenic for Leukodystrophy, hypomyelinating, 7, with or without oligodontia and/or hypogonadotropic hypogonadism. Last evaluated: 2024-01-24. Review status: criteria provided, single submitter. Criteria: ACMG Guidelines, 2015. Collection method: curation. Allele origin: germline. Inheritance: Autosomal recessive inheritance.
Comment: The p.Met1Ile variant in POLR3A has been reported in 3 individuals with POLR3A-related disorders (PMID: 30323018, 30414627, 30450527) and has been identified in 0.003% (1/34586) of Latino/Admixed American chromosomes by the Genome Aggregation Database (gnomAD; dbSNP ID: rs1168641193). Although this variant has been seen in the general population in a heterozygous state, its frequency is low enough to be consistent with a recessive carrier frequency. This variant has also been reported in ClinVar (Variation ID#: 549565) and has been interpreted as pathogenic or likely pathogenic by Tartaglia Lab (Genetics and Rare Diseases Research Division, Bambino Gesu' Children's Hospital), OMIM, Cole/Wambach Lab (Washington University in St. Louis), and University of Washington Center for Mendelian Genomics (University of Washington). Of the 3 affected individuals, 2 were compound heterozygotes that carried a reported variant of uncertain significance in trans, which increases the likelihood that the p.Met1Ile variant is pathogenic (Variant ID: 549564; PMID: 30323018, 30414627). This variant is located in the first amino acid and obliterates the methionine initiation codon. The next in-frame methionine is at amino acid residue 22 and there are no reported pathogenic or likely pathogenic variants in ClinVar upstream of this methionine. In summary, although additional studies are required to fully establish its clinical significance, this variant is likely pathogenic for autosomal recessive POLR3A-related disorders. ACMG/AMP Criteria applied: PVS1_strong, PM3_supporting, PM2_supporting (Richards 2015).

Cole/Wambach Lab, Washington University in St. Louis
Classification: Pathogenic for Neonatal pseudo-hydrocephalic progeroid syndrome. Last evaluated: 2018-10-01. Review status: criteria provided, single submitter. Criteria: ACMG Guidelines, 2015. Collection method: research. Allele origin: inherited. Affected: yes. Observed: 1 variant allele.
Comment: in trans with c.*18C>T

Tartaglia Lab, Genetics and Rare Diseases Research Division, Bambino Gesu' Children's Hospital
Classification: Likely pathogenic for Neonatal pseudo-hydrocephalic progeroid syndrome. Last evaluated: 2018-04-01. Review status: criteria provided, single submitter. Criteria: ACMG Guidelines, 2015. Collection method: research. Allele origin: germline. Affected: yes.

OMIM
Classification: Pathogenic for WIEDEMANN-RAUTENSTRAUCH SYNDROME. Last evaluated: 2024-04-02. Review status: no assertion criteria provided. Collection method: literature only. Allele origin: germline. Not counted in ClinVar's aggregate classification.

University of Washington Center for Mendelian Genomics, University of Washington
Classification: Likely pathogenic for Wiedemann-Rautenstrauch Syndrome. Review status: no assertion criteria provided. Collection method: research. Allele origin: inherited. Affected: yes. Not counted in ClinVar's aggregate classification.

Literature cited by the submitters: PubMed 30414627 (cited by 3 submitters); PubMed 30323018 (cited by OMIM); PubMed 30450527 (cited by OMIM).

NM_007055.4(POLR3A):c.3G>T (p.Met1Ile)

Gene: POLR3A (RNA polymerase III subunit A; minus strand). Cytogenetic location: 10q22.3.
Variant type: single nucleotide variant.
Coding change: c.3G>T on transcript NM_007055.4 (MANE Select); coding-DNA position 3, G replaced by T.
Protein change: p.Met1Ile; changes the start codon (methionine 1).
Molecular consequence: missense variant, initiator codon variant.
Genome position (GRCh38, 1-based): chr10:78,029,405, C>A on the plus strand (G>T on the coding strand, the complement: POLR3A is on the minus strand). VCF-style: chr10-78029405-C-A. GRCh37 (hg19) VCF-style: chr10-79789163-C-A.
Other names: NM_007055.4(POLR3A):c.3G>T; p.Met1Ile; short protein forms M1I.
Identifiers: ClinVar variation 549565 (VCV000549565.6), dbSNP rs1168641193, ClinGen allele CA377347850.